The following is an entry in ClinVar:

ClinVar aggregate classification (germline): Uncertain significance (1 of 4 stars; one submission).

Conditions:
Rauch-Steindl syndrome (RAUST). Identifiers: Orphanet 659642, MedGen C5562061, MONDO:0859219, OMIM 619695.

Submission:

Juno Genomics, Hangzhou Juno Genomics, Inc
Classification: Uncertain significance for Rauch-Steindl syndrome. Review status: criteria provided, single submitter. Criteria: ACMG Guidelines, 2015. Collection method: clinical testing. Allele origin: germline.
Comment: Absent from controls (or at extremely low frequency if recessive) in Genome Aggregation Database.;Protein length changes due to in-frame deletions/insertions in a non-repeat region or stop-loss variants.

NM_001042424.3(NSD2):c.4086dup (p.Glu1363fs)

Gene: NSD2 (nuclear receptor binding SET domain protein 2; plus strand). Cytogenetic location: 4p16.3.
Variant type: Duplication.
Coding change: c.4086dup on transcript NM_001042424.3 (MANE Select); coding-DNA position 4086, one base duplicated (A; older notation c.4086dupA).
Protein change: p.Glu1363fs; shifts the reading frame from glutamic acid 1363.
Molecular consequence: frameshift variant.
Genome position (GRCh38, 1-based): chr4:1,978,897, A duplicated. VCF-style (leftmost placement, unchanged base first): chr4-1978896-C-CA. GRCh37 (hg19) VCF-style: chr4-1980623-C-CA.
Other names: c.4086dup, p.Glu1363fs (NM_001440892.1, NM_133330.3, NM_133331.3 and 1 more transcripts); c.4185dup, p.Glu1396fs (NM_001440893.1); c.3969dup, p.Glu1324fs (NM_001440894.1); c.3939dup, p.Glu1314fs (NM_001440895.1); c.3885dup, p.Glu1296fs (NM_001440896.1); c.3879dup, p.Glu1294fs (NM_001440897.1); c.3762dup, p.Glu1255fs (NM_001440898.1); c.3117dup, p.Glu1040fs (NM_001440899.1, NM_001440900.1); short protein forms E1255fs, E1294fs, E1314fs, E1363fs, E1040fs, E1296fs, E1324fs, E1396fs.
Identifiers: ClinVar variation 5006767 (VCV005006767.2).
Genomic context (GRCh38, chr4:1,978,896, plus strand): 5'-CCCCAGAGCCAGGGAAGCCGAAGGGGAAGAGGCGGCGGCGGAGGGGCTGGCGGAGAGTCA[C>CA]AGAGGGCAAATAGCGCCAGGCGGCCGCTTGGCCGGATCCAGGGGCGGTGCAGGGCGGCCG-3'